The following is an entry in ClinVar:

ClinVar aggregate classification (germline): Uncertain significance (1 of 4 stars; one submission).

Allele frequency attached by ClinVar (database versions not stated): ESP Exome Variant Server 0.00015; 1000 Genomes Project 30x 0.00016; 1000 Genomes Project 0.00020; ExAC 0.00021.
gnomAD v4.1: 120 of 1,614,130 alleles (0.0074%); highest among the groups gnomAD compares: South Asian, 0.077%; no homozygotes.

Submission:

Labcorp Genetics (formerly Invitae), Labcorp
Classification: Uncertain significance. Last evaluated: 2023-05-23. Review status: criteria provided, single submitter. Criteria: Invitae Variant Classification Sherloc (09022015). Collection method: clinical testing. Allele origin: germline.
Comment: ClinVar contains an entry for this variant (Variation ID: 1981977). This variant has not been reported in the literature in individuals affected with LAT-related conditions. This variant is present in population databases (rs149558811, gnomAD 0.08%). This sequence change replaces alanine, which is neutral and non-polar, with valine, which is neutral and non-polar, at codon 202 of the LAT protein (p.Ala202Val). Algorithms developed to predict the effect of missense changes on protein structure and function output the following: SIFT: "Not Available"; PolyPhen-2: "Benign"; Align-GVGD: "Not Available". The valine amino acid residue is found in multiple mammalian species, which suggests that this missense change does not adversely affect protein function. In summary, the available evidence is currently insufficient to determine the role of this variant in disease. Therefore, it has been classified as a Variant of Uncertain Significance.

NM_001014987.2(LAT):c.605C>T (p.Ala202Val)

Gene: LAT (linker for activation of T cells; plus strand). Cytogenetic location: 16p11.2.
Variant type: single nucleotide variant.
Coding change: c.605C>T on transcript NM_001014987.2 (MANE Select); coding-DNA position 605, C replaced by T.
Protein change: p.Ala202Val; replaces alanine 202 with valine.
Molecular consequence: missense variant.
Genome position (GRCh38, 1-based): chr16:28,989,822, C>T. VCF-style: chr16-28989822-C-T. GRCh37 (hg19) VCF-style: chr16-29001143-C-T.
Other names: c.602C>T, p.Ala201Val (NM_001014988.2); c.713C>T, p.Ala238Val (NM_001014989.2); c.692C>T, p.Ala231Val (NM_014387.4); short protein forms A202V, A238V, A201V, A231V.
Identifiers: ClinVar variation 1981977 (VCV001981977.4), dbSNP rs149558811, ClinGen allele CA7990093.
Genomic context (GRCh38, chr16:28,989,822, plus strand): 5'-CTGTCCCCACAGATGGCAGCCGGGAGTATGTGAATGTGTCCCAGGAACTGCATCCTGGAG[C>T]GGCTAAGACTGAGCCTGGTGTGTTCTGCGGGAGGGGCAGGAGCTGGGGTAGCTGCTTTGG-3'
Protein context (NP_001014987.1, residues 192-212): VNVSQELHPG[Ala202Val]AKTEPAALSS